The following is an entry in ClinVar:

NM_005883.3(APC2):c.5160C>T (p.Phe1720=)

Gene: APC2 (APC regulator of Wnt signaling pathway 2; plus strand). Cytogenetic location: 19p13.3.
Variant type: single nucleotide variant.
Coding change: c.5160C>T on transcript NM_005883.3 (MANE Select); coding-DNA position 5160, C replaced by T.
Protein change: p.Phe1720=; no amino-acid change (phenylalanine 1720 retained).
Molecular consequence: synonymous variant.
Genome position (GRCh38, 1-based): chr19:1,468,461, C>T. VCF-style: chr19-1468461-C-T. GRCh37 (hg19) VCF-style: chr19-1468460-C-T.
Other names: c.5157C>T, p.Phe1719= (NM_001351273.1).
Identifiers: ClinVar variation 3035542 (VCV003035542.2), dbSNP rs1248313197, ClinGen allele CA504898525.
Genomic context (GRCh38, chr19:1,468,461, plus strand): 5'-GCACCAGGCAGCAGCTGCCACGCGGGAGGCCTCGTCCGAGTCCGACTCCATCCTGTCCTT[C>T]GTATCCGGGCTGTCAGTGGGATCCACCCTACAGCCCCCCAAGCACAGGAAGGGACGACAG-3'
Protein context (NP_005874.1, residues 1710-1730): ASSESDSILS[Phe1720=]VSGLSVGSTL

ClinVar aggregate classification (germline): Likely benign (0 of 4 stars; one submission).

Conditions:
APC2-related disorder. Also called: APC2-related condition; APC2-Related Disorders.

Allele frequency attached by ClinVar (database versions not stated): TOPMed below 0.00001; gnomAD 0.00001.

Submission:

PreventionGenetics, part of Exact Sciences
Classification: Likely benign for APC2-related condition. Last evaluated: 2019-08-13. Review status: no assertion criteria provided. Collection method: clinical testing. Allele origin: germline.
Comment: This variant is classified as likely benign based on ACMG/AMP sequence variant interpretation guidelines (Richards et al. 2015 PMID: 25741868, with internal and published modifications).